The following is an entry in ClinVar:

NM_031475.3(ESPN):c.1025C>T (p.Ser342Phe)

Gene: ESPN (espin; plus strand). Cytogenetic location: 1p36.31.
Variant type: single nucleotide variant.
Coding change: c.1025C>T on transcript NM_031475.3 (MANE Select); coding-DNA position 1025, C replaced by T.
Protein change: p.Ser342Phe; replaces serine 342 with phenylalanine.
Molecular consequence: missense variant.
Genome position (GRCh38, 1-based): chr1:6,444,515, C>T. VCF-style: chr1-6444515-C-T. GRCh37 (hg19) VCF-style: chr1-6504575-C-T.
Other names: c.1025C>T, p.Ser342Phe (NM_001367473.1, NM_001367474.1); short protein forms S342F.
Identifiers: ClinVar variation 228668 (VCV000228668.23), dbSNP rs199502924, ClinGen allele CA560086.

ClinVar aggregate classification (germline): Uncertain significance. Review status: criteria provided, multiple submitters, no conflicts (2 of 4 stars). 7 submissions from 7 submitters: Uncertain significance (7). Last evaluated 2025-08-19.

Conditions:
Usher syndrome, type 1M. Identifiers: MedGen C5231434, MONDO:0032841, OMIM 618632.
Retinal dystrophy. Also called: Inherited retinal dystrophy. Identifiers: Orphanet 71862, MedGen C0854723, MeSH D058499, MONDO:0019118, HP:0000556.

Allele frequency attached by ClinVar (database versions not stated): ExAC 0.00009; gnomAD 0.00009; gnomAD exomes 0.00009 and 0.00012; TOPMed 0.00013; 1000 Genomes Project 0.00060; 1000 Genomes Project 30x 0.00062.
gnomAD v4.1: 146 of 1,614,224 alleles (0.009%); highest among the groups gnomAD compares: Admixed American, 0.038%; 1 homozygote.

Submissions (7):

GeneDx
Classification: Uncertain significance. Last evaluated: 2025-08-19. Review status: criteria provided, single submitter. Criteria: GeneDx Variant Classification Process June 2021. Collection method: clinical testing. Allele origin: germline. Affected: yes.
Comment: In silico analysis supports that this missense variant has a deleterious effect on protein structure/function; This variant is associated with the following publications: (PMID: 36703223)

Blueprint Genetics
Classification: Uncertain significance. Last evaluated: 2024-03-05. Review status: criteria provided, single submitter. Criteria: ACMG Guidelines, 2015. Collection method: clinical testing. Allele origin: germline.

Labcorp Genetics (formerly Invitae), Labcorp
Classification: Uncertain significance. Last evaluated: 2023-09-23. Review status: criteria provided, single submitter. Criteria: Invitae Variant Classification Sherloc (09022015). Collection method: clinical testing. Allele origin: germline.
Comment: In summary, the available evidence is currently insufficient to determine the role of this variant in disease. Therefore, it has been classified as a Variant of Uncertain Significance. An algorithm developed to predict the effect of missense changes on protein structure and function (PolyPhen-2) suggests that this variant is likely to be disruptive. ClinVar contains an entry for this variant (Variation ID: 228668). This variant has not been reported in the literature in individuals affected with ESPN-related conditions. This variant is present in population databases (rs199502924, gnomAD 0.1%). This sequence change replaces serine, which is neutral and polar, with phenylalanine, which is neutral and non-polar, at codon 342 of the ESPN protein (p.Ser342Phe).

Institute of Human Genetics, Univ. Regensburg, Univ. Regensburg
Classification: Uncertain significance for Retinal dystrophy. Last evaluated: 2022-01-01. Review status: criteria provided, single submitter. Criteria: ACMG Guidelines, 2015. Collection method: clinical testing. Allele origin: germline. Affected: yes.

Centre for Mendelian Genomics, University Medical Centre Ljubljana
Classification: Uncertain significance for Usher syndrome, type 1M. Last evaluated: 2020-01-16. Review status: criteria provided, single submitter. Criteria: ACMG Guidelines, 2015. Collection method: clinical testing. Allele origin: unknown. Affected: yes.
Comment: This variant was classified as: Uncertain significance. The available evidence on this variant's pathogenicity is insufficient or conflicting. The following ACMG criteria were applied in classifying this variant: PP3.

Dubai Health Genomic Medicine Center, Dubai Health
Classification: Uncertain significance. Last evaluated: 2020-01-07. Review status: criteria provided, single submitter. Criteria: ACMG Guidelines, 2015. Collection method: clinical testing. Allele origin: germline. Affected: yes.
Comment: The p.Ser342Phe in ESPN has not been previously reported in individuals with hearing loss but was observed in observed in 30/251362 (0.01% 0 homozygotes) total alleles in the Genome Aggregation Database (gnomAD). Conservation analysis and computational prediction tools suggest an impact to protein function though this information is not predictive enough to confirm pathogenicity. In summary more information is needed to determine the clinical significance of this variant.

Laboratory for Molecular Medicine, Mass General Brigham Personalized Medicine
Classification: Uncertain significance. Last evaluated: 2015-05-05. Review status: criteria provided, single submitter. Criteria: LMM Criteria. Collection method: clinical testing. Allele origin: germline. Observed: 1 variant allele.
Comment: The p.Ser342Phe variant in ESPN has not been previously reported in individuals with hearing loss, but has been identified in 8/66572 European chromosomes and 3 /11552 Latino chromosomes by the Exome Aggregation Consortium (ExAC .; dbSNP rs199502924). Computational prediction tools and cons ervation analyses do not provide strong support for or against an impact to the protein. In summary, the clinical significance of the p.Ser342Phe variant is unc ertain.

Literature cited by the submitters: PubMed 36703223 (cited by Institute of Human Genetics, Univ. Regensburg, Univ. Regensburg).